The following is an entry in ClinVar:

ClinVar aggregate classification (germline): Pathogenic (1 of 4 stars; one submission).

Conditions:
Hereditary spastic paraplegia 11. Also called: SPASTIC PARAPLEGIA, AUTOSOMAL RECESSIVE, COMPLICATED, WITH THIN CORPUS CALLOSUM; SPASTIC PARAPLEGIA, AUTOSOMAL RECESSIVE, WITH MENTAL IMPAIRMENT AND THIN CORPUS CALLOSUM; Spastic Paraplegia 11; Nakamura Osame syndrome; Autosomal recessive hereditary spastic paraplegia, mental impairment, and thin corpus callosum; Spastic paraplegia, mental retardation and thin corpus callosum. Identifiers: Orphanet 2822, MedGen C1858479, MONDO:0011445, OMIM 604360.

Submission:

Genetics Research Center, University of Social Welfare and Rehabilitation Sciences
Classification: Pathogenic for Hereditary spastic paraplegia 11. Review status: criteria provided, single submitter. Criteria: ACMG Guidelines, 2015. Collection method: clinical testing. Allele origin: germline. Inheritance: Autosomal recessive inheritance. Affected: yes. Observed: 1 variant allele, 1 homozygote.
Comment: c.2012dupA​(p.His671GlnfsTer2) variant causes a frameshift change involving the alteration of a non-conserved nucleotide. The variant was absent in control chromosomes in GnomAD project. Variant results in nonsense mediated mRNA decay. It was co-segregated with the disease status within the family. Overall, it meets PVS1, PM2 and PP1 ACMG criteria.

Literature cited by the submitters: PubMed 42120987.

NM_025137.4(SPG11):c.2012dup (p.His671fs)

Gene: SPG11 (SPG11 vesicle trafficking associated, spatacsin; minus strand). Cytogenetic location: 15q21.1.
Variant type: Duplication.
Coding change: c.2012dup on transcript NM_025137.4 (MANE Select); coding-DNA position 2012, one base duplicated (A; older notation c.2012dupA).
Protein change: p.His671fs; shifts the reading frame from histidine 671.
Molecular consequence: frameshift variant.
Genome position (GRCh38, 1-based): chr15:44,628,724, T duplicated on the plus strand (A on the coding strand, the reverse complement: SPG11 is on the minus strand). VCF-style (leftmost placement, unchanged base first): chr15-44628723-A-AT. GRCh37 (hg19) VCF-style: chr15-44920921-A-AT.
Other names: c.2012dup, p.His671fs (NM_001160227.2, NM_001411132.1); short protein forms H671fs.
Identifiers: ClinVar variation 4857041 (VCV004857041.1).